The following is an entry in ClinVar:

NM_000516.7(GNAS):c.447T>C (p.His149=)

Gene: GNAS (GNAS complex locus; plus strand). Cytogenetic location: 20q13.32.
Variant type: single nucleotide variant.
Coding change: c.447T>C on transcript NM_000516.7 (MANE Select); coding-DNA position 447, T replaced by C.
Protein change: p.His149=; no amino-acid change (histidine 149 retained).
Molecular consequence: synonymous variant. On other transcripts: 3 prime UTR variant (2).
Genome position (GRCh38, 1-based): chr20:58,905,397, T>C. VCF-style: chr20-58905397-T-C. GRCh37 (hg19) VCF-style: chr20-57480452-T-C.
Other names: c.450T>C, p.His150= (NM_001077488.5); c.402T>C, p.His134= (NM_001077489.4); c.*308T>C (NM_001077490.3); c.270T>C, p.His90= (NM_001309840.2, NM_001309861.2); c.351T>C, p.His117= (NM_001410912.1); c.2331T>C, p.His777= (NM_001410913.1); c.*353T>C (NM_016592.5); c.2376T>C, p.His792= (NM_080425.4); and 1 more.
Identifiers: ClinVar variation 3351385 (VCV003351385.1).
Genomic context (GRCh38, chr20:58,905,397, plus strand): 5'-GTTCAAGCTCTTGCCTTTCTCTAAACTTTCTTGTGTTCACTTTCAGGAATTCTATGAGCA[T>C]GCCAAGGCTCTGTGGGAGGATGAAGGAGTGCGTGCCTGCTACGAACGCTCCAACGAGTAC-3'
Protein context (NP_000507.1, residues 139-159): DFDFPPEFYE[His149=]AKALWEDEGV

ClinVar aggregate classification (germline): Likely benign (0 of 4 stars; one submission).

Conditions:
GNAS-related disorder. Identifiers: MedGen CN380105.

gnomAD v4.1: 2 of 1,598,626 alleles (0.00013%); highest among the groups gnomAD compares: Non-Finnish European, 0.00017%; no homozygotes.

Submission:

PreventionGenetics, part of Exact Sciences
Classification: Likely benign for GNAS-related condition. Last evaluated: 2020-06-18. Review status: no assertion criteria provided. Collection method: clinical testing. Allele origin: germline.
Comment: This variant is classified as likely benign based on ACMG/AMP sequence variant interpretation guidelines (Richards et al. 2015 PMID: 25741868, with internal and published modifications).